The following is an entry in ClinVar:

ClinVar aggregate classification (germline): Uncertain significance. Review status: criteria provided, multiple submitters, no conflicts (2 of 4 stars). 2 submissions from 2 submitters: Uncertain significance (2). Last evaluated 2024-06-16.

Conditions:
Hereditary cancer-predisposing syndrome. Also called: Tumor predisposition; Hereditary neoplastic syndrome; Neoplastic Syndromes, Hereditary; Hereditary Cancer Syndrome. Identifiers: Orphanet 140162, MedGen C0027672, MeSH D009386, MONDO:0015356.
Oligodontia-cancer predisposition syndrome. Also called: TOOTH AGENESIS-COLORECTAL CANCER SYNDROME. Identifiers: Orphanet 300576, MedGen C1837750, MONDO:0012075, OMIM 608615. Disease mechanism: loss of function.

gnomAD v4.1: 2 of 1,613,928 alleles (0.00012%); highest among the groups gnomAD compares: Non-Finnish European, 0.00017%; no homozygotes.

Submissions (2):

Ambry Genetics
Classification: Uncertain significance for Hereditary cancer-predisposing syndrome. Last evaluated: 2024-06-16. Review status: criteria provided, single submitter. Criteria: Ambry Variant Classification Scheme 2023. Collection method: clinical testing. Allele origin: germline.
Comment: The p.P525L variant (also known as c.1574C>T), located in coding exon 5 of the AXIN2 gene, results from a C to T substitution at nucleotide position 1574. The proline at codon 525 is replaced by leucine, an amino acid with similar properties. This amino acid position is conserved. In addition, this alteration is predicted to be tolerated by in silico analysis. Based on the available evidence, the clinical significance of this variant remains unclear.

Labcorp Genetics (formerly Invitae), Labcorp
Classification: Uncertain significance for Oligodontia-cancer predisposition syndrome. Last evaluated: 2023-05-02. Review status: criteria provided, single submitter. Criteria: Invitae Variant Classification Sherloc (09022015). Collection method: clinical testing. Allele origin: germline.
Comment: This variant has not been reported in the literature in individuals affected with AXIN2-related conditions. This sequence change replaces proline, which is neutral and non-polar, with leucine, which is neutral and non-polar, at codon 525 of the AXIN2 protein (p.Pro525Leu). This variant is present in population databases (rs749576519, gnomAD 0.0009%). ClinVar contains an entry for this variant (Variation ID: 1010922). Advanced modeling of protein sequence and biophysical properties (such as structural, functional, and spatial information, amino acid conservation, physicochemical variation, residue mobility, and thermodynamic stability) performed at Invitae indicates that this missense variant is not expected to disrupt AXIN2 protein function. In summary, the available evidence is currently insufficient to determine the role of this variant in disease. Therefore, it has been classified as a Variant of Uncertain Significance.

NM_004655.4(AXIN2):c.1574C>T (p.Pro525Leu)

Gene: AXIN2 (axin 2; minus strand). Cytogenetic location: 17q24.1.
Variant type: single nucleotide variant.
Coding change: c.1574C>T on transcript NM_004655.4 (MANE Select); coding-DNA position 1574, C replaced by T.
Protein change: p.Pro525Leu; replaces proline 525 with leucine.
Molecular consequence: missense variant.
Genome position (GRCh38, 1-based): chr17:65,537,462, G>A on the plus strand (C>T on the coding strand, the complement: AXIN2 is on the minus strand). VCF-style: chr17-65537462-G-A. GRCh37 (hg19) VCF-style: chr17-63533580-G-A.
Other names: c.1574C>T, p.Pro525Leu (NM_001363813.1); c.1574C>T (NM_004655.3); short protein forms P525L.
Identifiers: ClinVar variation 1010922 (VCV001010922.9), dbSNP rs749576519, ClinGen allele CA8718612.